The following is an entry in ClinVar:

NM_005629.4(SLC6A8):c.1768-9C>G

Gene: SLC6A8 (solute carrier family 6 member 8; plus strand). Cytogenetic location: Xq28.
Variant type: single nucleotide variant.
Coding change: c.1768-9C>G on transcript NM_005629.4 (MANE Select); 9 bases into the intron before coding-DNA position 1768, C replaced by G.
Molecular consequence: intron variant.
Genome position (GRCh38, 1-based): chrX:153,695,065, C>G. VCF-style: chrX-153695065-C-G. GRCh37 (hg19) VCF-style: chrX-152960520-C-G.
Other names: c.1738-9C>G (NM_001142805.2); c.1423-9C>G (NM_001142806.1).
Identifiers: ClinVar variation 533707 (VCV000533707.15), dbSNP rs782234529, ClinGen allele CA10549660.

ClinVar aggregate classification (germline): Likely benign. Review status: criteria provided, multiple submitters, no conflicts (2 of 4 stars). 3 submissions from 3 submitters: Likely benign (2). 1 of the submissions does not count toward it. Last evaluated 2026-01-06.

Conditions:
Creatine transporter deficiency (CCDS1). Also called: Mental retardation , X-linked with seizures, short stature and midface hypoplasia; Mental retardation , X-linked, with creatine transport deficiency; X-linked creatine transporter deficiency; X-linked creatine deficiency syndrome; CEREBRAL CREATINE DEFICIENCY SYNDROME 1; SLC6A8-Related Creatine Transporter Deficiency. Identifiers: Orphanet 52503, MedGen C1845862, MONDO:0010305, OMIM 300352.
SLC6A8-related disorder. Also called: SLC6A8-related condition.

Allele frequency attached by ClinVar (database versions not stated): 1000 Genomes Project 30x 0.00042; 1000 Genomes Project 0.00053; gnomAD exomes 0.00001 and 0.00006; TOPMed 0.00001; gnomAD 0.00002 and 0.00005; ExAC 0.00008.
gnomAD v4.1: 17 of 1,197,991 alleles (0.0014%); highest among the groups gnomAD compares: East Asian, 0.045%; no homozygotes.

Submissions (3):

Labcorp Genetics (formerly Invitae), Labcorp
Classification: Likely benign for Creatine transporter deficiency. Last evaluated: 2026-01-06. Review status: criteria provided, single submitter. Criteria: Invitae Variant Classification Sherloc (09022015). Collection method: clinical testing. Allele origin: germline.

Blueprint Genetics
Classification: Likely benign. Last evaluated: 2023-09-19. Review status: criteria provided, single submitter. Criteria: ACMG Guidelines, 2015. Collection method: clinical testing. Allele origin: germline.

PreventionGenetics, part of Exact Sciences
Classification: Likely benign for SLC6A8-related condition. Last evaluated: 2019-07-11. Review status: no assertion criteria provided. Collection method: clinical testing. Allele origin: germline. Not counted in ClinVar's aggregate classification.
Comment: This variant is classified as likely benign based on ACMG/AMP sequence variant interpretation guidelines (Richards et al. 2015 PMID: 25741868, with internal and published modifications).